The following is an entry in ClinVar:

NM_005670.4(EPM2A):c.256T>G (p.Tyr86Asp)

Genes: EPM2A (EPM2A glucan phosphatase, laforin; minus strand), EPM2A-DT (EPM2A divergent transcript; plus strand), LOC129997381 (ATAC-STARR-seq lymphoblastoid silent region 17642; plus strand). Cytogenetic location: 6q24.3.
Variant type: single nucleotide variant.
Coding change: c.256T>G on transcript NM_005670.4 (MANE Select); coding-DNA position 256, T replaced by G.
Protein change: p.Tyr86Asp; replaces tyrosine 86 with aspartic acid.
Molecular consequence: missense variant. On other transcripts: 5 prime UTR variant (2), intron variant (1), splice donor variant (1).
Genome position (GRCh38, 1-based): chr6:145,735,243, A>C on the plus strand (T>G on the coding strand, the complement: EPM2A is on the minus strand). VCF-style: chr6-145735243-A-C. GRCh37 (hg19) VCF-style: chr6-146056379-A-C.
Other names: c.256T>G, p.Tyr86Asp (NM_001018041.2, NM_001360057.2, NM_001368130.1); c.-414T>G (NM_001360071.2); c.-368T>G (NM_001368129.2); c.-114+665T>G (NM_001360064.2); c.-114+2T>G (NM_001368131.1); short protein forms Y86D.
Identifiers: ClinVar variation 2136482 (VCV002136482.4), dbSNP rs1776791266, ClinGen allele CA366187930.

ClinVar aggregate classification (germline): Pathogenic (1 of 4 stars; one submission).

Conditions:
Progressive myoclonic epilepsy. Also called: Progressive myoclonus epilepsy; Familial progressive myoclonic epilepsy; Myoclonus epilepsy; Myoclonic Epilepsies, Progressive. Identifiers: Orphanet 308, Orphanet 98261, MedGen C0751778, MONDO:0020074.

Allele frequency attached by ClinVar (database versions not stated): TOPMed below 0.00001.

Submission:

Labcorp Genetics (formerly Invitae), Labcorp
Classification: Pathogenic for Progressive myoclonic epilepsy. Last evaluated: 2023-10-28. Review status: criteria provided, single submitter. Criteria: Invitae Variant Classification Sherloc (09022015). Collection method: clinical testing. Allele origin: germline.
Comment: This sequence change replaces tyrosine, which is neutral and polar, with aspartic acid, which is acidic and polar, at codon 86 of the EPM2A protein (p.Tyr86Asp). This variant is not present in population databases (gnomAD no frequency). This missense change has been observed in individual(s) with Lafora disease (PMID: 25246353). It has also been observed to segregate with disease in related individuals. ClinVar contains an entry for this variant (Variation ID: 2136482). Advanced modeling of protein sequence and biophysical properties (such as structural, functional, and spatial information, amino acid conservation, physicochemical variation, residue mobility, and thermodynamic stability) has been performed at Invitae for this missense variant, however the output from this modeling did not meet the statistical confidence thresholds required to predict the impact of this variant on EPM2A protein function. For these reasons, this variant has been classified as Pathogenic.

Literature cited by the submitters: PubMed 25246353.